The following is an entry in ClinVar:

ClinVar aggregate classification (germline): Uncertain significance (1 of 4 stars; one submission).

Submission:

GeneDx
Classification: Uncertain significance. Last evaluated: 2024-12-06. Review status: criteria provided, single submitter. Criteria: GeneDx Variant Classification Process June 2021. Collection method: clinical testing. Allele origin: germline. Affected: yes.
Comment: Not observed at significant frequency in large population cohorts (gnomAD); In silico analysis supports that this missense variant has a deleterious effect on protein structure/function; Has not been previously published as pathogenic or benign to our knowledge

NM_001009944.3(PKD1):c.7664T>C (p.Val2555Ala)

Gene: PKD1 (polycystin 1, transient receptor potential channel interacting; minus strand). Cytogenetic location: 16p13.3.
Variant type: single nucleotide variant.
Coding change: c.7664T>C on transcript NM_001009944.3 (MANE Select); coding-DNA position 7664, T replaced by C.
Protein change: p.Val2555Ala; replaces valine 2555 with alanine.
Molecular consequence: missense variant.
Genome position (GRCh38, 1-based): chr16:2,106,130, A>G on the plus strand (T>C on the coding strand, the complement: PKD1 is on the minus strand). VCF-style: chr16-2106130-A-G. GRCh37 (hg19) VCF-style: chr16-2156131-A-G.
Other names: c.7664T>C, p.Val2555Ala (NM_000296.4); short protein forms V2555A.
Identifiers: ClinVar variation 3901754 (VCV003901754.1).